The following is an entry in ClinVar:

NM_024675.4(PALB2):c.464T>C (p.Phe155Ser)

Gene: PALB2 (partner and localizer of BRCA2; minus strand). Cytogenetic location: 16p12.2.
Variant type: single nucleotide variant.
Coding change: c.464T>C on transcript NM_024675.4 (MANE Select); coding-DNA position 464, T replaced by C.
Protein change: p.Phe155Ser; replaces phenylalanine 155 with serine.
Molecular consequence: missense variant.
Genome position (GRCh38, 1-based): chr16:23,636,082, A>G on the plus strand (T>C on the coding strand, the complement: PALB2 is on the minus strand). VCF-style: chr16-23636082-A-G. GRCh37 (hg19) VCF-style: chr16-23647403-A-G.
Other names: short protein forms F155S.
Identifiers: ClinVar variation 1522519 (VCV001522519.7), dbSNP rs1167005475, ClinGen allele CA395137169.

ClinVar aggregate classification (germline): Uncertain significance (1 of 4 stars; one submission).

Conditions:
Familial cancer of breast. Also called: hereditary breast carcinoma; BREAST CANCER, FAMILIAL; Hereditary breast cancer. Identifiers: Orphanet 227535, MedGen C0346153, MONDO:0016419, OMIM 114480. Disease mechanism: loss of function.

Submission:

Labcorp Genetics (formerly Invitae), Labcorp
Classification: Uncertain significance for Familial cancer of breast. Last evaluated: 2021-07-29. Review status: criteria provided, single submitter. Criteria: Invitae Variant Classification Sherloc (09022015). Collection method: clinical testing. Allele origin: germline.
Comment: In summary, the available evidence is currently insufficient to determine the role of this variant in disease. Therefore, it has been classified as a Variant of Uncertain Significance. Algorithms developed to predict the effect of missense changes on protein structure and function output the following: SIFT: "Tolerated"; PolyPhen-2: "Benign"; Align-GVGD: "Class C0". The serine amino acid residue is found in multiple mammalian species, which suggests that this missense change does not adversely affect protein function. This variant has not been reported in the literature in individuals affected with PALB2-related conditions. This variant is not present in population databases (ExAC no frequency). This sequence change replaces phenylalanine with serine at codon 155 of the PALB2 protein (p.Phe155Ser). The phenylalanine residue is weakly conserved and there is a large physicochemical difference between phenylalanine and serine.